The following is an entry in ClinVar:

NM_007294.4(BRCA1):c.508C>T (p.Arg170Trp)

Gene: BRCA1 (BRCA1 DNA repair associated; minus strand). Cytogenetic location: 17q21.31.
Variant type: single nucleotide variant.
Coding change: c.508C>T on transcript NM_007294.4 (MANE Select); coding-DNA position 508, C replaced by T.
Protein change: p.Arg170Trp; replaces arginine 170 with tryptophan.
Molecular consequence: missense variant. On other transcripts: non-coding transcript variant (1).
Genome position (GRCh38, 1-based): chr17:43,099,814, G>A on the plus strand (C>T on the coding strand, the complement: BRCA1 is on the minus strand). VCF-style: chr17-43099814-G-A. GRCh37 (hg19) VCF-style: chr17-41251831-G-A.
Other names: c.295C>T, p.Arg99Trp (NM_001407571.1, NM_001407853.1, NM_001407894.1 and 18 more transcripts); c.508C>T, p.Arg170Trp (NM_001407581.1, NM_001407582.1, NM_001407583.1 and 97 more transcripts); c.505C>T, p.Arg169Trp (NM_001407587.1, NM_001407590.1, NM_001407591.1 and 65 more transcripts); c.499C>T, p.Arg167Trp (NM_001407646.1, NM_001407647.1, NM_001408408.1); c.430C>T, p.Arg144Trp (NM_001407653.1, NM_001407654.1, NM_001407655.1 and 12 more transcripts); c.427C>T, p.Arg143Trp (NM_001407659.1, NM_001407660.1, NM_001407661.1 and 6 more transcripts); c.367C>T, p.Arg123Trp (NM_001407692.1, NM_001407694.1, NM_001407695.1 and 61 more transcripts); c.364C>T, p.Arg122Trp (NM_001407740.1, NM_001407741.1, NM_001407742.1 and 35 more transcripts); and 4 more; short protein forms R170W, R123W, R144W, R99W, R100W, R122W, R167W, R169W.
Identifiers: ClinVar variation 55393 (VCV000055393.38), dbSNP rs80357325, ClinGen allele CA003229.
Genomic context (GRCh38, chr17:43,099,814, plus strand): 5'-TAAAAAACCTGAGACCCTTACCCAATTCAATGTAGACAGACGTCTTTTGAGGTTGTATCC[G>A]CTGCTTTGTCCTCAGAGTTCTCACAGTTCCAAGGTTAGAGAGTTGGACACTGAGACTGGT-3'
Protein context (NP_009225.1, residues 160-180): GTVRTLRTKQ[Arg170Trp]IQPQKTSVYI

ClinVar aggregate classification (germline): Benign. Review status: reviewed by expert panel (3 of 4 stars). 12 submissions from 12 submitters: Benign (1). 11 of the submissions do not count toward it. Last evaluated 2019-06-18.

Conditions:
Hereditary cancer-predisposing syndrome. Also called: Hereditary Cancer Syndrome; Hereditary neoplastic syndrome; Neoplastic Syndromes, Hereditary; Tumor predisposition. Identifiers: Orphanet 140162, MedGen C0027672, MeSH D009386, MONDO:0015356.
Hereditary breast ovarian cancer syndrome. Also called: BRCA1- and BRCA2-Associated Hereditary Breast and Ovarian Cancer; Hereditary breast and ovarian cancer syndrome; Hereditary breast and ovarian cancer syndrome (HBOC); Breast and ovarian cancer; Hereditary breast and/or ovarian cancer syndrome; Hereditary breast and ovarian cancer. Identifiers: Orphanet 145, MedGen C0677776, MeSH D061325, MONDO:0003582. Disease mechanism: loss of function.
Breast-ovarian cancer, familial, susceptibility to, 1 (BROVCA1). Also called: BRCA1 Hereditary Breast and Ovarian Cancer; OVARIAN CANCER, SUSCEPTIBILITY TO. Identifiers: Orphanet 145, MedGen C2676676, MONDO:0011450, OMIM 604370. Disease mechanism: loss of function.

Allele frequency attached by ClinVar (database versions not stated): TOPMed below 0.00001; ExAC 0.00001; gnomAD 0.00001.
gnomAD v4.1: 18 of 1,613,476 alleles (0.0011%); highest among the groups gnomAD compares: Admixed American, 0.0017%; no homozygotes.

Submissions (12):

Evidence-based Network for the Interpretation of Germline Mutant Alleles (ENIGMA)
Classification: Benign for Breast-ovarian cancer, familial, susceptibility to, 1. Last evaluated: 2019-06-18. Review status: reviewed by expert panel. Criteria: ENIGMA BRCA1/2 Classification Criteria (2017-06-29). Collection method: curation. Allele origin: germline.
Comment: IARC class based on posterior probability from multifactorial likelihood analysis, thresholds for class as per Plon et al. 2008 (PMID: 18951446). Class 1 based on posterior probability = 0.000759

Labcorp Genetics (formerly Invitae), Labcorp
Classification: Likely benign for Hereditary breast ovarian cancer syndrome. Last evaluated: 2026-01-13. Review status: criteria provided, single submitter. Criteria: Invitae Variant Classification Sherloc (09022015). Collection method: clinical testing. Allele origin: germline. Not counted in ClinVar's aggregate classification.

Ambry Genetics
Classification: Uncertain significance for Hereditary cancer-predisposing syndrome. Last evaluated: 2025-06-05. Review status: criteria provided, single submitter. Criteria: Ambry Variant Classification Scheme 2023. Collection method: clinical testing. Allele origin: germline. Not counted in ClinVar's aggregate classification.
Comment: The p.R170W variant (also known as c.508C>T), located in coding exon 6 of the BRCA1 gene, results from a C to T substitution at nucleotide position 508. The arginine at codon 170 is replaced by tryptophan, an amino acid with dissimilar properties. This amino acid position is poorly conserved in available vertebrate species. In addition, the in silico prediction for this alteration is inconclusive. Based on the available evidence, the clinical significance of this variant remains unclear.

Center for Genomic Medicine, Rigshospitalet, Copenhagen University Hospital
Classification: Benign. Last evaluated: 2025-03-04. Review status: criteria provided, single submitter. Criteria: ACMG Guidelines, 2015. Collection method: clinical testing. Allele origin: germline. Not counted in ClinVar's aggregate classification.

Women's Health and Genetics/Laboratory Corporation of America, LabCorp
Classification: Likely benign. Last evaluated: 2024-10-08. Review status: criteria provided, single submitter. Criteria: LabCorp Variant Classification Summary - May 2015. Collection method: clinical testing. Allele origin: germline. Not counted in ClinVar's aggregate classification.
Comment: Variant summary: BRCA1 c.508C>T (p.Arg170Trp) results in a non-conservative amino acid change in the encoded protein sequence. Four of five in-silico tools predict a benign effect of the variant on protein function. The variant allele was found at a frequency of 1.2e-05 in 251458 control chromosomes. The available data on variant occurrences in the general population are insufficient to allow any conclusion about variant significance. These report(s) do not provide unequivocal conclusions about association of the variant with Hereditary Breast And Ovarian Cancer Syndrome. At least one publication reports experimental evidence evaluating an impact on protein function (Bouwman_2013, Bouwman_2020). These results showed no damaging effect of this variant based on cisplatin response. The following publications have been ascertained in the context of this evaluation (PMID: 23867111, 25186627, 30287823, 31112341, 32546644). ClinVar contains an entry for this variant (Variation ID: 55393). Based on the evidence outlined above, the variant was classified as likely benign.

Quest Diagnostics Nichols Institute San Juan Capistrano
Classification: Likely benign. Last evaluated: 2024-10-02. Review status: criteria provided, single submitter. Criteria: Quest Diagnostics criteria. Collection method: clinical testing. Allele origin: unknown. Not counted in ClinVar's aggregate classification.

All of Us Research Program, National Institutes of Health
Classification: Uncertain significance for Breast-ovarian cancer, familial, susceptibility to, 1. Last evaluated: 2024-01-11. Review status: criteria provided, single submitter. Criteria: ACMG Guidelines, 2015. Collection method: clinical testing. Allele origin: germline. Inheritance: Autosomal dominant inheritance. Observed: 3 variant alleles, 3 heterozygotes. Not counted in ClinVar's aggregate classification.
Comment: This missense variant replaces arginine with tryptophan at codon 170 of the BRCA1 protein. Computational prediction suggests that this variant may not impact protein structure and function (internally defined REVEL score threshold <= 0.5, PMID: 27666373).Functional studies have reported that this variant does not impact BRCA1 in on growth and homology-directed DNA repair assays in mouse Brca1-null embryonic stem cells (PMID: 23867111, 32546644). This variant has been reported in an individual affected with breast cancer (PMID: 25186627) and in a breast cancer case-control meta-analysis in 2/60466 cases and 0/53461 unaffected individuals (PMID: 33471991; Leiden Open Variation Database DB-ID BRCA1_001411). This variant also has been reported in a breast cancer case-control study and a pancreatic cancer case-control study in which this variant is absent in cases and found only in one unaffected individual in the control cohort (PMID: 30287823, 32980694). A multifactorial analysis has reported likelihood ratios for pathogenicity based on tumor pathology, co-occurrence with a pathogenic variant and family history of 0.544, 1.0673, 0.0641, respectively (PMID: 31131967). This variant has been identified in 3/251458 chromosomes in the general population by the Genome Aggregation Database (gnomAD). The available evidence is insufficient to determine the role of this variant in disease conclusively. Therefore, this variant is classified as a Variant of Uncertain Significance.

This study involves interpretation of variants in research participants for the purpose of population health screening. Participant phenotype was not available at the time of variant classification. Additional details can be found in publication PMID: 35346344, PMCID: PMC8962531

GeneDx
Classification: Uncertain significance. Last evaluated: 2023-12-21. Review status: criteria provided, single submitter. Criteria: GeneDx Variant Classification Process June 2021. Collection method: clinical testing. Allele origin: germline. Affected: yes. Not counted in ClinVar's aggregate classification.
Comment: Published functional studies demonstrate no damaging effect to cell growth, ubiquitination, or sensitivity to cisplatin (PMID: 23867111, 25823446, 32546644); In silico analysis supports that this missense variant has a deleterious effect on protein structure/function; Not observed at significant frequency in large population cohorts (gnomAD); Also known as 627C>T; This variant is associated with the following publications: (PMID: 10923033, 23983145, 23867111, 30287823, 33087888, Rodriguez2013[CaseReport], 25823446, 31112341, 33471991, 36243179, 32546644, 20215511, 25186627, 31131967)

Color Diagnostics, LLC DBA Color Health
Classification: Uncertain significance for Hereditary cancer-predisposing syndrome. Last evaluated: 2023-10-05. Review status: criteria provided, single submitter. Criteria: ACMG Guidelines, 2015. Collection method: clinical testing. Allele origin: germline. Not counted in ClinVar's aggregate classification.
Comment: This missense variant replaces arginine with tryptophan at codon 170 of the BRCA1 protein. Computational prediction suggests that this variant may not impact protein structure and function (internally defined REVEL score threshold <= 0.5, PMID: 27666373).Functional studies have reported that this variant does not impact BRCA1 in on growth and homology-directed DNA repair assays in mouse Brca1-null embryonic stem cells (PMID: 23867111, 32546644). This variant has been reported in an individual affected with breast cancer (PMID: 25186627) and in a breast cancer case-control meta-analysis in 2/60466 cases and 0/53461 unaffected individuals (PMID: 33471991; Leiden Open Variation Database DB-ID BRCA1_001411). This variant also has been reported in a breast cancer case-control study and a pancreatic cancer case-control study in which this variant is absent in cases and found only in one unaffected individual in the control cohort (PMID: 30287823, 32980694). A multifactorial analysis has reported likelihood ratios for pathogenicity based on tumor pathology, co-occurrence with a pathogenic variant and family history of 0.544, 1.0673, 0.0641, respectively (PMID: 31131967). This variant has been identified in 3/251458 chromosomes in the general population by the Genome Aggregation Database (gnomAD). The available evidence is insufficient to determine the role of this variant in disease conclusively. Therefore, this variant is classified as a Variant of Uncertain Significance.

Counsyl
Classification: Uncertain significance for Breast-ovarian cancer, familial, susceptibility to, 1. Last evaluated: 2017-01-18. Review status: no assertion criteria provided. Collection method: clinical testing. Allele origin: unknown. Not counted in ClinVar's aggregate classification.

Breast Cancer Information Core (BIC) (BRCA1)
Classification: Uncertain significance for Breast-ovarian cancer, familial 1. Last evaluated: 2004-11-25. Review status: no assertion criteria provided. Collection method: clinical testing. Allele origin: germline. Affected: yes. Observed: 1 variant allele. Not counted in ClinVar's aggregate classification.

Department of Pathology and Laboratory Medicine, Sinai Health System
Classification: Uncertain significance. Review status: no assertion criteria provided. Collection method: clinical testing. Allele origin: unknown. Affected: yes. Observed: 1 variant allele. Study: The Canadian Open Genetics Repository (COGR). Not counted in ClinVar's aggregate classification.

Literature cited by the submitters: PubMed 31131967 (cited by 4 submitters); PubMed 23867111 (cited by 6 submitters); PubMed 30287823 (cited by 5 submitters); PubMed 33471991 (cited by 4 submitters); PubMed 25186627 (cited by 4 submitters); PubMed 31112341 (cited by Women's Health and Genetics/Laboratory Corporation of America, LabCorp and Quest Diagnostics Nichols Institute San Juan Capistrano); PubMed 32546644 (cited by 4 submitters); PubMed 32980694 (cited by 3 submitters); PubMed 36243179 (cited by Quest Diagnostics Nichols Institute San Juan Capistrano).